The following is an entry in ClinVar:

NM_001201427.2(DAAM2):c.797G>A (p.Arg266Gln)

Gene: DAAM2 (dishevelled associated activator of morphogenesis 2; plus strand). Cytogenetic location: 6p21.2.
Variant type: single nucleotide variant.
Coding change: c.797G>A on transcript NM_001201427.2 (MANE Select); coding-DNA position 797, G replaced by A.
Protein change: p.Arg266Gln; replaces arginine 266 with glutamine.
Molecular consequence: missense variant.
Genome position (GRCh38, 1-based): chr6:39,868,857, G>A. VCF-style: chr6-39868857-G-A. GRCh37 (hg19) VCF-style: chr6-39836633-G-A.
Other names: c.797G>A, p.Arg266Gln (NM_015345.4); short protein forms R266Q.
Identifiers: ClinVar variation 2275295 (VCV002275295.4), dbSNP rs199545289, ClinGen allele CA3794796.
Genomic context (GRCh38, chr6:39,868,857, plus strand): 5'-CTGCTCTGTCCTGCATTTCCACCTAGACCCTGCTGAACGAGCTAGACCGAAGTCTGGGCC[G>A]GTACCGGGATGAAGTGAATCTGAAAACAGCCATCATGTCCTTCATCAATGCTGTCCTCAA-3'
Protein context (NP_001188356.1, residues 256-276): LLNELDRSLG[Arg266Gln]YRDEVNLKTA

ClinVar aggregate classification (germline): Conflicting classifications of pathogenicity. Review status: criteria provided, conflicting classifications (1 of 4 stars). 2 submissions from 2 submitters: Uncertain significance (1); Likely benign (1). Last evaluated 2025-08-31.

Conditions:
Inborn genetic diseases. Identifiers: MedGen C0950123, MeSH D030342.
DAAM2-related disorder. Also called: DAAM2-related condition.

Allele frequency attached by ClinVar (database versions not stated): 1000 Genomes Project 0.00020; 1000 Genomes Project 30x 0.00031; ESP Exome Variant Server 0.00072.
gnomAD v4.1: 173 of 1,587,176 alleles (0.011%); highest among the groups gnomAD compares: African/African-American, 0.19%; no homozygotes.

Submissions (2):

Ambry Genetics
Classification: Uncertain significance for Inborn genetic diseases. Last evaluated: 2025-08-31. Review status: criteria provided, single submitter. Criteria: Ambry Variant Classification Scheme 2023. Collection method: clinical testing. Allele origin: germline.

PreventionGenetics, part of Exact Sciences
Classification: Likely benign for DAAM2-related condition. Last evaluated: 2024-12-13. Review status: criteria provided, single submitter. Criteria: ACMG Guidelines, 2015. Collection method: clinical testing. Allele origin: germline.
Comment: This variant is classified as likely benign based on ACMG/AMP sequence variant interpretation guidelines (Richards et al. 2015 PMID: 25741868, with internal and published modifications).